The following is an entry in ClinVar:

ClinVar aggregate classification (germline): Conflicting classifications of pathogenicity. Review status: criteria provided, conflicting classifications (1 of 4 stars). 6 submissions from 6 submitters: Uncertain significance (3); Likely benign (2). 1 of the submissions does not count toward it. Last evaluated 2025-07-09.

Conditions:
Focal segmental glomerulosclerosis 5 (FSGS5). Identifiers: Orphanet 656, MedGen C2750475, MONDO:0013191, OMIM 613237.
Inborn genetic diseases. Identifiers: MedGen C0950123, MeSH D030342.
INF2-related disorder. Also called: INF2-related condition.
Charcot-Marie-Tooth disease dominant intermediate E. Also called: CHARCOT-MARIE-TOOTH NEUROPATHY WITH FOCAL SEGMENTAL GLOMERULONEPHRITIS. Identifiers: Orphanet 93114, MedGen C4302667, MONDO:0013758, OMIM 614455.

Allele frequency attached by ClinVar (database versions not stated): ExAC 0.00009; gnomAD 0.00001; gnomAD exomes 0.00003 and 0.00008; ESP Exome Variant Server 0.00008; TOPMed 0.00008.
gnomAD v4.1: 45 of 1,613,486 alleles (0.0028%); highest among the groups gnomAD compares: Admixed American, 0.02%; no homozygotes.

Submissions (6):

Labcorp Genetics (formerly Invitae), Labcorp
Classification: Likely benign for Charcot-Marie-Tooth disease dominant intermediate E; Focal segmental glomerulosclerosis 5. Last evaluated: 2025-07-09. Review status: criteria provided, single submitter. Criteria: Invitae Variant Classification Sherloc (09022015). Collection method: clinical testing. Allele origin: germline.

PreventionGenetics, part of Exact Sciences
Classification: Uncertain significance for INF2-related condition. Last evaluated: 2025-05-02. Review status: criteria provided, single submitter. Criteria: ACMG Guidelines, 2015. Collection method: clinical testing. Allele origin: germline.
Comment: The INF2 c.409G>A variant is predicted to result in the amino acid substitution p.Val137Met. To our knowledge, this variant has not been reported in the literature. This variant is reported in 0.032% of alleles in individuals of Latino descent in gnomAD. At this time, the clinical significance of this variant is uncertain due to the absence of conclusive functional and genetic evidence.

Ambry Genetics
Classification: Likely benign for Inborn genetic diseases. Last evaluated: 2024-05-21. Review status: criteria provided, single submitter. Criteria: Ambry Variant Classification Scheme 2023. Collection method: clinical testing. Allele origin: germline.

Fulgent Genetics
Classification: Uncertain significance for Focal segmental glomerulosclerosis 5; Charcot-Marie-Tooth disease dominant intermediate E. Last evaluated: 2022-03-18. Review status: criteria provided, single submitter. Criteria: ACMG Guidelines, 2015. Collection method: clinical testing. Allele origin: unknown.

Department of Pathology and Laboratory Medicine, Sinai Health System
Classification: Uncertain significance for Focal segmental glomerulosclerosis 5; Charcot-Marie-Tooth disease dominant intermediate E. Last evaluated: 2022-03-17. Review status: criteria provided, single submitter. Criteria: ACMG Guidelines, 2015. Collection method: research. Allele origin: germline.

Bioscientia Institut fuer Medizinische Diagnostik GmbH, Sonic Healthcare
Classification: Uncertain significance for Focal segmental glomerulosclerosis 5. Last evaluated: 2018-05-17. Review status: no assertion criteria provided. Collection method: clinical testing. Allele origin: germline. Affected: yes. Not counted in ClinVar's aggregate classification.

NM_022489.4(INF2):c.409G>A (p.Val137Met)

Gene: INF2 (inverted formin 2; plus strand). Cytogenetic location: 14q32.33.
Variant type: single nucleotide variant.
Coding change: c.409G>A on transcript NM_022489.4 (MANE Select); coding-DNA position 409, G replaced by A.
Protein change: p.Val137Met; replaces valine 137 with methionine.
Molecular consequence: missense variant.
Genome position (GRCh38, 1-based): chr14:104,703,122, G>A. VCF-style: chr14-104703122-G-A. GRCh37 (hg19) VCF-style: chr14-105169459-G-A.
Other names: c.409G>A, p.Val137Met (NM_001031714.4, NM_032714.3); short protein forms V137M.
Identifiers: ClinVar variation 569980 (VCV000569980.12), dbSNP rs200713451, ClinGen allele CA7372296.